The following is an entry in ClinVar:

ClinVar aggregate classification (germline): Uncertain significance (1 of 4 stars; one submission).

Conditions:
Inborn genetic diseases. Identifiers: MedGen C0950123, MeSH D030342.

gnomAD v4.1: 2 of 1,548,752 alleles (0.00013%); highest among the groups gnomAD compares: African/African-American, 0.0027%; no homozygotes.

Submission:

Ambry Genetics
Classification: Uncertain significance for Inborn genetic diseases. Last evaluated: 2025-08-29. Review status: criteria provided, single submitter. Criteria: Ambry Variant Classification Scheme 2023. Collection method: clinical testing. Allele origin: germline.
Comment: The p.K1180E variant (also known as c.3538A>G), located in coding exon 33 of the RTEL1 gene, results from an A to G substitution at nucleotide position 3538. The lysine at codon 1180 is replaced by glutamic acid, an amino acid with similar properties. This amino acid position is conserved. In addition, this alteration is predicted to be tolerated by in silico analysis. Based on the available evidence, the clinical significance of this variant remains unclear.

NM_001283009.2(RTEL1):c.3538A>G (p.Lys1180Glu)

Genes: RTEL1 (regulator of telomere elongation helicase 1; plus strand), RTEL1-TNFRSF6B (RTEL1-TNFRSF6B readthrough (NMD candidate); plus strand). Cytogenetic location: 20q13.33.
Variant type: single nucleotide variant.
Coding change: c.3538A>G on transcript NM_001283009.2 (MANE Select); coding-DNA position 3538, A replaced by G.
Protein change: p.Lys1180Glu; replaces lysine 1180 with glutamic acid.
Molecular consequence: missense variant. On other transcripts: non-coding transcript variant (1).
Genome position (GRCh38, 1-based): chr20:63,695,366, A>G. VCF-style: chr20-63695366-A-G. GRCh37 (hg19) VCF-style: chr20-62326719-A-G.
Other names: c.2869A>G, p.Lys957Glu (NM_001283010.1); c.3538A>G, p.Lys1180Glu (NM_016434.4); c.3610A>G, p.Lys1204Glu (NM_032957.5); short protein forms K1180E, K957E, K1204E.
Identifiers: ClinVar variation 4157707 (VCV004157707.1).